The following is an entry in ClinVar:

NM_000388.4(CASR):c.1837G>A (p.Gly613Arg)

Gene: CASR (calcium sensing receptor; plus strand). Cytogenetic location: 3q21.1.
Variant type: single nucleotide variant.
Coding change: c.1837G>A on transcript NM_000388.4 (MANE Select); coding-DNA position 1837, G replaced by A.
Protein change: p.Gly613Arg; replaces glycine 613 with arginine.
Molecular consequence: missense variant.
Genome position (GRCh38, 1-based): chr3:122,283,791, G>A. VCF-style: chr3-122283791-G-A. GRCh37 (hg19) VCF-style: chr3-122002638-G-A.
Other names: c.1867G>A, p.Gly623Arg (NM_001178065.2); short protein forms G613R, G623R.
Identifiers: ClinVar variation 430216 (VCV000430216.3), dbSNP rs1060502842, ClinGen allele CA354157556.

ClinVar aggregate classification (germline): Conflicting classifications of pathogenicity. Review status: criteria provided, conflicting classifications (1 of 4 stars). 2 submissions from 2 submitters: Likely pathogenic (1); Uncertain significance (1). Last evaluated 2025-10-28.

Allele frequency attached by ClinVar (database versions not stated): gnomAD 0.00001.
gnomAD v4.1: 1 of 1,614,012 alleles (0.000062%); highest among the groups gnomAD compares: African/African-American, 0.0013%; no homozygotes.

Submissions (2):

Athena Diagnostics
Classification: Uncertain significance. Last evaluated: 2025-10-28. Review status: criteria provided, single submitter. Criteria: Athena Diagnostics Criteria. Collection method: clinical testing. Allele origin: unknown.
Comment: Available data are insufficient to determine the clinical significance of the variant at this time. The frequency of this variant in the general population is uninformative in assessment of its pathogenicity. Polyphen and MutationTaster predict this amino acid change may be damaging to the protein.

GeneDx
Classification: Likely pathogenic. Last evaluated: 2016-01-21. Review status: criteria provided, single submitter. Criteria: GeneDx Variant Classification (06012015). Collection method: clinical testing. Allele origin: germline. Affected: yes.
Comment: The G613R variant has been reported previously in a patient diagnosed with familial hypocalciuric hypercalcemia ( Rasmussen et al., 2011). The G613R variant was not observed in approximately 6,500 individuals of European and African American ancestry in the NHLBI Exome Sequencing Project, indicating it is not a common benign variant in these populations. The G613R variant is a non-conservative amino acid substitution, which is likely to impact secondary protein structure as these residues differ in polarity, charge, size and/or other properties. This substitution occurs at a position that is conserved across species. In silico analysis predicts this variant is probably damaging to the protein structure/function. Missense variants in nearby residues (E610G, F612S, L616V) have been reported in the Human Gene Mutation Database in association with calcium homeostasis disorders (Stenson et al., 2014), supporting the functional importance of this region of the protein. Therefore, this variant is likely pathogenic; however, the possibility that it is benign cannot be excluded.